The following is an entry in ClinVar:

NM_005912.3(MC4R):c.567T>C (p.Asp189=)

Gene: MC4R (melanocortin 4 receptor; minus strand). Cytogenetic location: 18q21.32.
Variant type: single nucleotide variant.
Coding change: c.567T>C on transcript NM_005912.3 (MANE Select); coding-DNA position 567, T replaced by C.
Protein change: p.Asp189=; no amino-acid change (aspartic acid 189 retained).
Molecular consequence: synonymous variant.
Genome position (GRCh38, 1-based): chr18:60,371,783, A>G on the plus strand (T>C on the coding strand, the complement: MC4R is on the minus strand). VCF-style: chr18-60371783-A-G. GRCh37 (hg19) VCF-style: chr18-58039016-A-G.
Identifiers: ClinVar variation 3030598 (VCV003030598.2), dbSNP rs748042240, ClinGen allele CA8980893.

ClinVar aggregate classification (germline): Likely benign (0 of 4 stars; one submission).

Conditions:
MC4R-related disorder. Also called: MC4R-related condition.

Allele frequency attached by ClinVar (database versions not stated): gnomAD exomes 0.00001; ExAC 0.00002; gnomAD 0.00003; TOPMed 0.00005.
gnomAD v4.1: 15 of 1,614,080 alleles (0.00093%); highest among the groups gnomAD compares: African/African-American, 0.008%; no homozygotes.

Submission:

PreventionGenetics, part of Exact Sciences
Classification: Likely benign for MC4R-related condition. Last evaluated: 2023-02-07. Review status: no assertion criteria provided. Collection method: clinical testing. Allele origin: germline.
Comment: This variant is classified as likely benign based on ACMG/AMP sequence variant interpretation guidelines (Richards et al. 2015 PMID: 25741868, with internal and published modifications).